The following is an entry in ClinVar:

ClinVar aggregate classification (germline): Pathogenic (1 of 4 stars; one submission).

Conditions:
Osteogenesis imperfecta type I (OI1). Also called: OI, TYPE I; OSTEOGENESIS IMPERFECTA TARDA; OSTEOGENESIS IMPERFECTA WITH BLUE SCLERAE; Lobstein's Disease; Classic Non-deforming Osteogenesis Imperfecta with Blue Sclerae; Lobstein disease. Identifiers: Orphanet 216796, Orphanet 666, MedGen C0023931, MONDO:0008146, OMIM 166200. Disease mechanism: loss of function.

Submission:

Victorian Clinical Genetics Services, Murdoch Childrens Research Institute
Classification: Pathogenic for Osteogenesis imperfecta type I. Last evaluated: 2022-02-02. Review status: criteria provided, single submitter. Criteria: ACMG Guidelines, 2015. Collection method: clinical testing. Allele origin: germline. Inheritance: Autosomal dominant inheritance.
Comment: Based on the classification scheme VCGS_Germline_v1.3.4, this variant is classified as Pathogenic. Following criteria are met: 0103 - Dominant negative and loss of function are known mechanisms of disease in this gene and are associated with osteogenesis imperfecta types I-IV, and other conditions (OMIM). Variants resulting in a truncated protein are known to have a loss of function effect on protein, while missense variants affecting the G-X-Y of a triple helix motif, have a dominant negative effect (PMIDs:27509835, 12362985). (I) 0107 - This gene is associated with autosomal dominant disease. (I) 0115 - Variants in this gene are known to have variable expressivity. Inter and intrafamilial variability has been reported (GeneReviews). (I) 0201 - Variant is predicted to cause nonsense-mediated decay (NMD) and loss of protein (premature termination codon is located at least 54 nucleotides upstream of the final exon-exon junction). (SP) 0251 - This variant is heterozygous. (I) 0301 - Variant is absent from gnomAD (both v2 and v3). (SP) 0701 - Other NMD variants comparable to the one identified in this case have very strong previous evidence for pathogenicity (ClinVar, DECIPHER). (SP) 0807 - This variant has no previous evidence of pathogenicity. (I) 0905 - No published segregation evidence has been identified for this variant. (I) 1007 - No published functional evidence has been identified for this variant. (SP) Legend: (SP) - Supporting pathogenic, (I) - Information, (SB) - Supporting benign

Literature cited by the submitters: PubMed 12362985; PubMed 27509835.

NM_000088.4(COL1A1):c.3819_3822delinsTTGATTGTGGTCCACAGGGT (p.Glu1273_Tyr1274delinsAspTer)

Gene: COL1A1 (collagen type I alpha 1 chain; minus strand). Cytogenetic location: 17q21.33.
Variant type: Indel.
Coding change: c.3819_3822delinsTTGATTGTGGTCCACAGGGT on transcript NM_000088.4 (MANE Select); coding-DNA positions 3819 to 3822, GTAC replaced by TTGATTGTGGTCCACAGGGT.
Protein change: p.Glu1273_Tyr1274delinsAspTer.
Molecular consequence: nonsense.
Genome position (GRCh38, 1-based): chr17:50,186,500-50,186,503, GTAC replaced by ACCCTGTGGACCACAATCAA on the plus strand (GTAC replaced by TTGATTGTGGTCCACAGGGT on the coding strand, the reverse complement: COL1A1 is on the minus strand). VCF-style: chr17-50186500-GTAC-ACCCTGTGGACCACAATCAA. GRCh37 (hg19) VCF-style: chr17-48263861-GTAC-ACCCTGTGGACCACAATCAA.
Identifiers: ClinVar variation 1805671 (VCV001805671.1), dbSNP rs2509161596, ClinGen allele CA2573050731.
Genomic context (GRCh38, chr17:50,186,500, plus strand): 5'-CTCCATGTTGCAGAAGACTTTGATGGCATCCAGGTTGCAGCCTTGGTTGGGGTCAATCCA[GTAC>ACCCTGTGGACCACAATCAA]TCTCCTGTGGTAGGGCAGGGCAAGATGGAGTCAGGGAAAGGGAGCAGCCAGCACCATATG-3'